The following is an entry in ClinVar:

ClinVar aggregate classification (germline): Uncertain significance (1 of 4 stars; one submission).

Allele frequency attached by ClinVar (database versions not stated): gnomAD exomes below 0.00001 and 0.00001; ExAC 0.00001; gnomAD 0.00001 and 0.00002; TOPMed 0.00001.
gnomAD v4.1: 7 of 1,614,078 alleles (0.00043%); highest among the groups gnomAD compares: Admixed American, 0.0067%; no homozygotes.

Submission:

Labcorp Genetics (formerly Invitae), Labcorp
Classification: Uncertain significance. Last evaluated: 2025-09-02. Review status: criteria provided, single submitter. Criteria: Invitae Variant Classification Sherloc (09022015). Collection method: clinical testing. Allele origin: germline.
Comment: This sequence change replaces asparagine, which is neutral and polar, with histidine, which is basic and polar, at codon 865 of the ADAMTS18 protein (p.Asn865His). This variant is present in population databases (rs754526481, gnomAD 0.003%). This variant has not been reported in the literature in individuals affected with ADAMTS18-related conditions. ClinVar contains an entry for this variant (Variation ID: 1372262). An algorithm developed to predict the effect of missense changes on protein structure and function (PolyPhen-2) suggests that this variant is likely to be tolerated. In summary, the available evidence is currently insufficient to determine the role of this variant in disease. Therefore, it has been classified as a Variant of Uncertain Significance.

NM_199355.4(ADAMTS18):c.2593A>C (p.Asn865His)

Gene: ADAMTS18 (ADAM metallopeptidase with thrombospondin type 1 motif 18; minus strand). Cytogenetic location: 16q23.1.
Variant type: single nucleotide variant.
Coding change: c.2593A>C on transcript NM_199355.4 (MANE Select); coding-DNA position 2593, A replaced by C.
Protein change: p.Asn865His; replaces asparagine 865 with histidine.
Molecular consequence: missense variant.
Genome position (GRCh38, 1-based): chr16:77,300,344, T>G on the plus strand (A>C on the coding strand, the complement: ADAMTS18 is on the minus strand). VCF-style: chr16-77300344-T-G. GRCh37 (hg19) VCF-style: chr16-77334241-T-G.
Other names: c.2077A>C, p.Asn693His (NM_001326358.2); short protein forms N865H, N693H.
Identifiers: ClinVar variation 1372262 (VCV001372262.6), dbSNP rs754526481, ClinGen allele CA8180837.
Genomic context (GRCh38, chr16:77,300,344, plus strand): 5'-ACTCTGACTGCACGATACTCCAGGTATAGGCAGGTCTTTTTGTGGCTGGTGGAGTTCCAT[T>G]CATGACCTTGGGAAGTGCATACTTCCAAGCTATCCCTGGATTTTTGCCTTGCATCAGAAT-3'
Protein context (NP_955387.1, residues 855-875): AWKYALPKVM[Asn865His]GTPPATKRPA